The following is an entry in ClinVar:

NM_207361.6(FREM2):c.6964G>T (p.Glu2322Ter)

Gene: FREM2 (FRAS1 related extracellular matrix 2; plus strand). Cytogenetic location: 13q13.3.
Variant type: single nucleotide variant.
Coding change: c.6964G>T on transcript NM_207361.6 (MANE Select); coding-DNA position 6964, G replaced by T.
Protein change: p.Glu2322Ter; replaces glutamic acid 2322 with a stop codon.
Molecular consequence: nonsense.
Genome position (GRCh38, 1-based): chr13:38,856,164, G>T. VCF-style: chr13-38856164-G-T. GRCh37 (hg19) VCF-style: chr13-39430301-G-T.
Other names: short protein forms E2322*.
Identifiers: ClinVar variation 2838441 (VCV002838441.3), dbSNP rs2541492816, ClinGen allele CA387897458.

ClinVar aggregate classification (germline): Pathogenic (1 of 4 stars; one submission).

Submission:

Labcorp Genetics (formerly Invitae), Labcorp
Classification: Pathogenic. Last evaluated: 2023-02-17. Review status: criteria provided, single submitter. Criteria: Invitae Variant Classification Sherloc (09022015). Collection method: clinical testing. Allele origin: germline.
Comment: This variant is not present in population databases (gnomAD no frequency). This variant has not been reported in the literature in individuals affected with FREM2-related conditions. Algorithms developed to predict the effect of sequence changes on RNA splicing suggest that this variant may disrupt the consensus splice site. For these reasons, this variant has been classified as Pathogenic. This sequence change creates a premature translational stop signal (p.Glu2322*) in the FREM2 gene. It is expected to result in an absent or disrupted protein product. Loss-of-function variants in FREM2 are known to be pathogenic (PMID: 18203166, 26552811).

Literature cited by the submitters: PubMed 18203166; PubMed 26552811.